The following is an entry in ClinVar:

ClinVar aggregate classification (germline): Uncertain significance (1 of 4 stars; one submission).

Conditions:
Developmental and epileptic encephalopathy, 30 (DEE30). Also called: Epileptic encephalopathy, early infantile, 30. Identifiers: MedGen C4225360, MONDO:0014595, OMIM 616341.

Submission:

Labcorp Genetics (formerly Invitae), Labcorp
Classification: Uncertain significance for Developmental and epileptic encephalopathy, 30. Last evaluated: 2021-05-12. Review status: criteria provided, single submitter. Criteria: Invitae Variant Classification Sherloc (09022015). Collection method: clinical testing. Allele origin: germline.
Comment: In summary, the available evidence is currently insufficient to determine the role of this variant in disease. Therefore, it has been classified as a Variant of Uncertain Significance. Advanced modeling of protein sequence and biophysical properties (such as structural, functional, and spatial information, amino acid conservation, physicochemical variation, residue mobility, and thermodynamic stability) performed at Invitae indicates that this missense variant is not expected to disrupt SIK1 protein function. This variant has not been reported in the literature in individuals with SIK1-related conditions. This variant is not present in population databases (ExAC no frequency). This sequence change replaces glycine with serine at codon 25 of the SIK1 protein (p.Gly25Ser). The glycine residue is highly conserved and there is a small physicochemical difference between glycine and serine.

NM_173354.5(SIK1):c.73G>A (p.Gly25Ser)

Gene: SIK1 (salt inducible kinase 1; minus strand). Cytogenetic location: 21q22.3.
Variant type: single nucleotide variant.
Coding change: c.73G>A on transcript NM_173354.5 (MANE Select); coding-DNA position 73, G replaced by A.
Protein change: p.Gly25Ser; replaces glycine 25 with serine.
Molecular consequence: missense variant.
Genome position (GRCh38, 1-based): chr21:43,426,106, C>T on the plus strand (G>A on the coding strand, the complement: SIK1 is on the minus strand). VCF-style: chr21-43426106-C-T. GRCh37 (hg19) VCF-style: chr21-44845986-C-T.
Other names: short protein forms G25S.
Identifiers: ClinVar variation 1490675 (VCV001490675.8), dbSNP rs2146476449, ClinGen allele CA410611073.